The following is an entry in ClinVar:

ClinVar aggregate classification (germline): Uncertain significance (1 of 4 stars; one submission).

Conditions:
Tuberous sclerosis syndrome (TSC). Also called: Tuberous Sclerosis Complex; Tuberous sclerosis. Identifiers: Orphanet 805, MedGen C0041341, MONDO:0001734.

Submission:

Color Diagnostics, LLC DBA Color Health
Classification: Uncertain significance for Tuberous sclerosis syndrome. Last evaluated: 2025-06-25. Review status: criteria provided, single submitter. Criteria: ACMG Guidelines, 2015. Collection method: clinical testing. Allele origin: germline.
Comment: This variant causes a single amino acid deletion in the TSC2 protein. To our knowledge, functional studies have not been reported for this variant. This variant has not been reported in individuals affected with TSC2-related disorders in the literature. This variant has not been identified in the general population by the Genome Aggregation Database (gnomAD). The available evidence is insufficient to determine the role of this variant in disease conclusively. Therefore, this variant is classified as a Variant of Uncertain Significance.

NM_000548.5(TSC2):c.1461_1463del (p.Val489del)

Gene: TSC2 (TSC complex subunit 2; plus strand). Cytogenetic location: 16p13.3.
Variant type: Deletion.
Coding change: c.1461_1463del on transcript NM_000548.5 (MANE Select); coding-DNA positions 1461 to 1463, 3 bases deleted (AGT; older notation c.1461_1463delAGT).
Protein change: p.Val489del; deletes valine 489.
Molecular consequence: 5 prime UTR variant (on NM_001406698.1). On other transcripts: non-coding transcript variant (5).
Genome position (GRCh38, 1-based): chr16:2,064,289-2,064,291, AGT deleted. VCF-style (leftmost placement, unchanged base first): chr16-2064288-CAGT-C. GRCh37 (hg19) VCF-style: chr16-2114289-CAGT-C.
Other names: c.1461_1463del, p.Val489del (NM_001077183.3, NM_001114382.3, NM_001363528.2 and 6 more transcripts); c.1350_1352del, p.Val452del (NM_001318827.2, NM_001406670.1, NM_001406678.1); c.1314_1316del, p.Val440del (NM_001318829.2, NM_001406675.1, NM_001406676.1 and 1 more transcripts); c.861_863del, p.Val289del (NM_001318831.2, NM_001406686.1, NM_001406687.1 and 6 more transcripts); c.1494_1496del, p.Val500del (NM_001318832.2); c.117_119del, p.Val41del (NM_001406689.1, NM_001406690.1, NM_001406691.1 and 6 more transcripts); c.-142_-140del (NM_001406698.1); c.1551_1553del, p.Val519del (NM_001406667.1, NM_001406668.1); and 3 more; short protein forms V289del, V335del, V41del, V440del, V452del, V470del, V485del, V489del.
Identifiers: ClinVar variation 4757283 (VCV004757283.1).